The following is an entry in ClinVar:

NM_006267.5(RANBP2):c.526C>T (p.Arg176Cys)

Gene: RANBP2 (RAN binding protein 2; plus strand). Cytogenetic location: 2q13.
Variant type: single nucleotide variant.
Coding change: c.526C>T on transcript NM_006267.5 (MANE Select); coding-DNA position 526, C replaced by T.
Protein change: p.Arg176Cys; replaces arginine 176 with cysteine.
Molecular consequence: missense variant.
Genome position (GRCh38, 1-based): chr2:108,735,652, C>T. VCF-style: chr2-108735652-C-T. GRCh37 (hg19) VCF-style: chr2-109352108-C-T.
Other names: short protein forms R176C.
Identifiers: ClinVar variation 537222 (VCV000537222.9), dbSNP rs543844917, ClinGen allele CA1822051.

ClinVar aggregate classification (germline): Uncertain significance. Review status: criteria provided, multiple submitters, no conflicts (2 of 4 stars). 2 submissions from 2 submitters: Uncertain significance (2). Last evaluated 2025-04-25.

Conditions:
Familial acute necrotizing encephalopathy (IIAE3). Also called: Susceptibility to Acute Necrotizing Encephalopathy 1; ENCEPHALOPATHY, ACUTE, INFECTION-INDUCED, SUSCEPTIBILITY TO, 3. Identifiers: Orphanet 88619, MedGen C2675556, MONDO:0011953, OMIM 608033.

Allele frequency attached by ClinVar (database versions not stated): gnomAD exomes 0.00002 and 0.00004; TOPMed 0.00003; gnomAD 0.00004 and 0.00005; ExAC 0.00005; 1000 Genomes Project 30x 0.00016; 1000 Genomes Project 0.00040.
gnomAD v4.1: 40 of 1,597,572 alleles (0.0025%); highest among the groups gnomAD compares: East Asian, 0.029%; no homozygotes.

Submissions (2):

Ambry Genetics
Classification: Uncertain significance. Last evaluated: 2025-04-25. Review status: criteria provided, single submitter. Criteria: Ambry Variant Classification Scheme 2023. Collection method: clinical testing. Allele origin: germline.

Labcorp Genetics (formerly Invitae), Labcorp
Classification: Uncertain significance for Familial acute necrotizing encephalopathy. Last evaluated: 2022-07-18. Review status: criteria provided, single submitter. Criteria: Invitae Variant Classification Sherloc (09022015). Collection method: clinical testing. Allele origin: germline.
Comment: In summary, the available evidence is currently insufficient to determine the role of this variant in disease. Therefore, it has been classified as a Variant of Uncertain Significance. Algorithms developed to predict the effect of missense changes on protein structure and function output the following: SIFT: "Deleterious"; PolyPhen-2: "Benign"; Align-GVGD: "Class C65". The cysteine amino acid residue is found in multiple mammalian species, which suggests that this missense change does not adversely affect protein function. ClinVar contains an entry for this variant (Variation ID: 537222). This variant has not been reported in the literature in individuals affected with RANBP2-related conditions. This variant is present in population databases (rs543844917, gnomAD 0.04%). This sequence change replaces arginine, which is basic and polar, with cysteine, which is neutral and slightly polar, at codon 176 of the RANBP2 protein (p.Arg176Cys).